The following is an entry in ClinVar:

NM_001283009.2(RTEL1):c.397C>A (p.Pro133Thr)

Genes: RTEL1 (regulator of telomere elongation helicase 1; plus strand), RTEL1-TNFRSF6B (RTEL1-TNFRSF6B readthrough (NMD candidate); plus strand). Cytogenetic location: 20q13.33.
Variant type: single nucleotide variant.
Coding change: c.397C>A on transcript NM_001283009.2 (MANE Select); coding-DNA position 397, C replaced by A.
Protein change: p.Pro133Thr; replaces proline 133 with threonine.
Molecular consequence: missense variant. On other transcripts: non-coding transcript variant (1), 5 prime UTR variant (1).
Genome position (GRCh38, 1-based): chr20:63,662,547, C>A. VCF-style: chr20-63662547-C-A. GRCh37 (hg19) VCF-style: chr20-62293900-C-A.
Other names: c.-273C>A (NM_001283010.1); c.397C>A, p.Pro133Thr (NM_016434.4); c.469C>A, p.Pro157Thr (NM_032957.5); short protein forms P133T, P157T.
Identifiers: ClinVar variation 3756035 (VCV003756035.2).

ClinVar aggregate classification (germline): Uncertain significance (1 of 4 stars; one submission).

Conditions:
Dyskeratosis congenita, autosomal recessive 5 (DKCB5). Identifiers: MedGen C3554656, MONDO:0014076, OMIM 615190.
Pulmonary fibrosis and/or bone marrow failure, Telomere-related, 3. Also called: PULMONARY FIBROSIS AND/OR BONE MARROW FAILURE SYNDROME, TELOMERE-RELATED, 3. Identifiers: Orphanet 2032, MedGen C4225346, MONDO:0014613, OMIM 616373.

gnomAD v4.1: 1 of 1,613,904 alleles (0.000062%); highest among the groups gnomAD compares: Non-Finnish European, 0.000085%; no homozygotes.

Submission:

Labcorp Genetics (formerly Invitae), Labcorp
Classification: Uncertain significance for Dyskeratosis congenita, autosomal recessive 5; Pulmonary fibrosis and/or bone marrow failure, Telomere-related, 3. Last evaluated: 2025-12-15. Review status: criteria provided, single submitter. Criteria: Invitae Variant Classification Sherloc (09022015). Collection method: clinical testing. Allele origin: germline.
Comment: This sequence change replaces proline, which is neutral and non-polar, with threonine, which is neutral and polar, at codon 133 of the RTEL1 protein (p.Pro133Thr). This variant is not present in population databases (gnomAD no frequency). This variant has not been reported in the literature in individuals affected with RTEL1-related conditions. ClinVar contains an entry for this variant (Variation ID: 3756035). An algorithm developed to predict the effect of missense changes on protein structure and function (PolyPhen-2) suggests that this variant is likely to be disruptive. In summary, the available evidence is currently insufficient to determine the role of this variant in disease. Therefore, it has been classified as a Variant of Uncertain Significance.